The following is an entry in ClinVar:

ClinVar aggregate classification (germline): Pathogenic (1 of 4 stars; one submission).

Conditions:
Candidiasis, familial, 8 (CANDF8). Identifiers: Orphanet 1334, MedGen C3714992, MONDO:0014230, OMIM 615527.

Submission:

Labcorp Genetics (formerly Invitae), Labcorp
Classification: Pathogenic for Candidiasis, familial, 8. Last evaluated: 2023-10-14. Review status: criteria provided, single submitter. Criteria: Invitae Variant Classification Sherloc (09022015). Collection method: clinical testing. Allele origin: germline.
Comment: This sequence change creates a premature translational stop signal (p.Ser408Argfs*9) in the TRAF3IP2 gene. It is expected to result in an absent or disrupted protein product. Loss-of-function variants in TRAF3IP2 are known to be pathogenic (PMID: 24120361). This variant is not present in population databases (gnomAD no frequency). This variant has not been reported in the literature in individuals affected with TRAF3IP2-related conditions. ClinVar contains an entry for this variant (Variation ID: 1054010). For these reasons, this variant has been classified as Pathogenic.

Literature cited by the submitters: PubMed 24120361.

NM_147686.4(TRAF3IP2):c.1222del (p.Ser408fs)

Genes: TRAF3IP2 (TRAF3 interacting protein 2; minus strand), TRAF3IP2-AS1 (TRAF3IP2 antisense RNA 1; plus strand). Cytogenetic location: 6q21.
Variant type: Deletion.
Coding change: c.1222del on transcript NM_147686.4 (MANE Select); coding-DNA position 1222, one base deleted (T; older notation c.1222delT).
Protein change: p.Ser408fs; shifts the reading frame from serine 408.
Molecular consequence: frameshift variant.
Genome position (GRCh38, 1-based): chr6:111,572,963, A deleted on the plus strand (T on the coding strand, the reverse complement: TRAF3IP2 is on the minus strand); the first of 2 consecutive A bases (chr6:111,572,963-111,572,964); deleting either gives the same sequence. VCF-style (leftmost placement, unchanged base first): chr6-111572962-GA-G. GRCh37 (hg19) VCF-style: chr6-111894165-GA-G.
Other names: c.1222del, p.Ser408fs (NM_001164281.3); c.1249del, p.Ser417fs (NM_147200.3); short protein forms S408fs, S417fs.
Identifiers: ClinVar variation 1054010 (VCV001054010.8), dbSNP rs2128374357, ClinGen allele CA2499218034.
Genomic context (GRCh38, chr6:111,572,962, plus strand): 5'-TGGAAGCCATTTACCAACAAAAAGTTCACGAATTTCACCACCTCCATAGCTGTGTCCATC[GA>G]ATAAGTGATAAAGACTTTCCCTAAGAGAAAATTTTTACATTTATTAGAAACTGATCAAAT-3'